The following is an entry in ClinVar:

NM_001849.4(COL6A2):c.2402T>G (p.Met801Arg)

Gene: COL6A2 (collagen type VI alpha 2 chain; plus strand). Cytogenetic location: 21q22.3.
Variant type: single nucleotide variant.
Coding change: c.2402T>G on transcript NM_001849.4 (MANE Select); coding-DNA position 2402, T replaced by G.
Protein change: p.Met801Arg; replaces methionine 801 with arginine.
Molecular consequence: missense variant.
Genome position (GRCh38, 1-based): chr21:46,126,217, T>G. VCF-style: chr21-46126217-T-G. GRCh37 (hg19) VCF-style: chr21-47546131-T-G.
Other names: c.2402T>G, p.Met801Arg (NM_058174.3, NM_058175.3); short protein forms M801R.
Identifiers: ClinVar variation 162544 (VCV000162544.15), dbSNP rs727502834, ClinGen allele CA295299.

ClinVar aggregate classification (germline): Uncertain significance. Review status: criteria provided, multiple submitters, no conflicts (2 of 4 stars). 2 submissions from 2 submitters: Uncertain significance (2). Last evaluated 2025-10-03.

Conditions:
Bethlem myopathy 1A. Also called: Bethlem Muscular Dystrophy; MYOPATHY, BENIGN CONGENITAL, WITH CONTRACTURES; Bethlem myopathy 1. Identifiers: Orphanet 610, MedGen CN029274, MONDO:0024530, OMIM 158810.

Allele frequency attached by ClinVar (database versions not stated): gnomAD 0.00001; gnomAD exomes 0.00001; TOPMed 0.00002.
gnomAD v4.1: 18 of 1,600,096 alleles (0.0011%); highest among the groups gnomAD compares: Non-Finnish European, 0.0015%; no homozygotes.

Submissions (2):

Labcorp Genetics (formerly Invitae), Labcorp
Classification: Uncertain significance for Bethlem myopathy 1A. Last evaluated: 2025-10-03. Review status: criteria provided, single submitter. Criteria: Invitae Variant Classification Sherloc (09022015). Collection method: clinical testing. Allele origin: germline.
Comment: This sequence change replaces methionine, which is neutral and non-polar, with arginine, which is basic and polar, at codon 801 of the COL6A2 protein (p.Met801Arg). This variant is not present in population databases (gnomAD no frequency). This variant has not been reported in the literature in individuals affected with COL6A2-related conditions. ClinVar contains an entry for this variant (Variation ID: 162544). Invitae Evidence Modeling of protein sequence and biophysical properties (such as structural, functional, and spatial information, amino acid conservation, physicochemical variation, residue mobility, and thermodynamic stability) has been performed for this missense variant. However, the output from this modeling did not meet the statistical confidence thresholds required to predict the impact of this variant on COL6A2 protein function. In summary, the available evidence is currently insufficient to determine the role of this variant in disease. Therefore, it has been classified as a Variant of Uncertain Significance.

Revvity Omics, Revvity
Classification: Uncertain significance. Last evaluated: 2022-09-20. Review status: criteria provided, single submitter. Criteria: ACMG Guidelines, 2015. Collection method: clinical testing. Allele origin: germline.